The following is an entry in ClinVar:

NM_000088.4(COL1A1):c.298+20CTGGGGC[4]

Gene: COL1A1 (collagen type I alpha 1 chain; minus strand). Cytogenetic location: 17q21.33.
Variant type: Microsatellite.
Coding change: c.298+20CTGGGGC[4] on transcript NM_000088.4 (MANE Select); four copies in a row of the 7-base unit CTGGGGC starting at c.298+20; the reference has five copies in a row; one copy, 7 bases deleted.
Molecular consequence: intron variant.
Genome position (GRCh38, 1-based): chr17:50,199,699-50,199,705, GCCCCAG deleted on the plus strand (CTGGGGC on the coding strand, the reverse complement: COL1A1 is on the minus strand); deleting any 7 consecutive bases within chr17:50,199,699-50,199,738 gives the same sequence; the position shown is the placement nearest the transcript's 3' end. VCF-style (leftmost placement, unchanged base first): chr17-50199698-AGCCCCAG-A. GRCh37 (hg19) VCF-style: chr17-48277059-AGCCCCAG-A.
Other names: c.298+48_298+54delCTGGGGC (NM_000088.3).
Identifiers: ClinVar variation 418805 (VCV000418805.1), dbSNP rs150854949, ClinGen allele CA16620477.

ClinVar aggregate classification (germline): Benign (1 of 4 stars; one submission).

Submission:

GeneDx
Classification: Benign. Last evaluated: 2016-10-26. Review status: criteria provided, single submitter. Criteria: GeneDx Variant Classification (06012015). Collection method: clinical testing. Allele origin: germline. Affected: yes.
Comment: This variant is considered likely benign or benign based on one or more of the following criteria: it is a conservative change, it occurs at a poorly conserved position in the protein, it is predicted to be benign by multiple in silico algorithms, and/or has population frequency not consistent with disease.